The following is an entry in ClinVar:

NM_080680.3(COL11A2):c.3616C>T (p.Leu1206=)

Gene: COL11A2 (collagen type XI alpha 2 chain; minus strand). Cytogenetic location: 6p21.32.
Variant type: single nucleotide variant.
Coding change: c.3616C>T on transcript NM_080680.3 (MANE Select); coding-DNA position 3616, C replaced by T.
Protein change: p.Leu1206=; no amino-acid change (leucine 1206 retained).
Molecular consequence: synonymous variant.
Genome position (GRCh38, 1-based): chr6:33,170,067, G>A on the plus strand (C>T on the coding strand, the complement: COL11A2 is on the minus strand). VCF-style: chr6-33170067-G-A. GRCh37 (hg19) VCF-style: chr6-33137844-G-A.
Other names: c.3295C>T, p.Leu1099= (NM_080679.3); c.3358C>T, p.Leu1120= (NM_080681.3).
Identifiers: ClinVar variation 178325 (VCV000178325.64), dbSNP rs147576338, ClinGen allele CA182113.

ClinVar aggregate classification (germline): Conflicting classifications of pathogenicity. Review status: criteria provided, conflicting classifications (1 of 4 stars). 9 submissions from 8 submitters: Uncertain significance (3); Benign (1); Likely benign (4). 1 of the submissions does not count toward it. Last evaluated 2026-06-01.

Conditions:
COL11A2-related disorder. Also called: COL11A2-related disorders; COL11A2-related condition.
Fibrochondrogenesis 2 (FBCG2). Identifiers: Orphanet 2021, MedGen C3281128, MONDO:0013795, OMIM 614524.
Otospondylomegaepiphyseal dysplasia, autosomal recessive (OSMEDB). Also called: CHONDRODYSTROPHY WITH SENSORINEURAL DEAFNESS; Insley-Astley syndrome. Identifiers: Orphanet 1427, MedGen CN034493, MONDO:0044206, OMIM 215150.

Allele frequency attached by ClinVar (database versions not stated): gnomAD 0.00007 and 0.00015; TOPMed 0.00011; ESP Exome Variant Server 0.00012; gnomAD exomes 0.00021 and 0.00034; ExAC 0.00038; 1000 Genomes Project 30x 0.00062; 1000 Genomes Project 0.00080.
gnomAD v4.1: 331 of 1,613,082 alleles (0.021%); highest among the groups gnomAD compares: South Asian, 0.23%; 3 homozygotes.

Submissions (9):

CeGaT Center for Human Genetics Tuebingen
Classification: Likely benign. Last evaluated: 2026-06-01. Review status: criteria provided, single submitter. Criteria: CeGaT Center For Human Genetics Tuebingen Variant Classification Criteria Version 2. Collection method: clinical testing. Allele origin: germline. Affected: yes. Observed: 4 variant alleles.
Comment: COL11A2: BP4, BP7

Labcorp Genetics (formerly Invitae), Labcorp
Classification: Benign. Last evaluated: 2026-02-02. Review status: criteria provided, single submitter. Criteria: Invitae Variant Classification Sherloc (09022015). Collection method: clinical testing. Allele origin: germline.

Blueprint Genetics
Classification: Likely benign. Last evaluated: 2024-10-24. Review status: criteria provided, single submitter. Criteria: ACMG Guidelines, 2015. Collection method: clinical testing. Allele origin: germline.

GeneDx
Classification: Likely benign. Last evaluated: 2021-03-18. Review status: criteria provided, single submitter. Criteria: GeneDx Variant Classification Process June 2021. Collection method: clinical testing. Allele origin: germline. Affected: yes.

Eurofins Ntd Llc (ga)
Classification: Uncertain significance. Last evaluated: 2018-01-24. Review status: criteria provided, single submitter. Criteria: EGL Classification Definitions 2015. Collection method: clinical testing. Allele origin: germline. Observed: 1 variant allele, 1 heterozygote.

Illumina Laboratory Services, Illumina
Classification: Uncertain significance for Otospondylomegaepiphyseal dysplasia, autosomal recessive. Last evaluated: 2018-01-13. Review status: criteria provided, single submitter. Criteria: ICSL Variant Classification Criteria 13 December 2019. Collection method: clinical testing. Allele origin: germline.

Illumina Laboratory Services, Illumina
Classification: Uncertain significance for Fibrochondrogenesis 2. Last evaluated: 2018-01-13. Review status: criteria provided, single submitter. Criteria: ICSL Variant Classification Criteria 13 December 2019. Collection method: clinical testing. Allele origin: germline.

Laboratory for Molecular Medicine, Mass General Brigham Personalized Medicine
Classification: Likely benign. Last evaluated: 2015-05-28. Review status: criteria provided, single submitter. Criteria: LMM Criteria. Collection method: clinical testing. Allele origin: germline. Observed: 3 variant alleles.
Comment: p.Leu1206Leu in exon 49 of COL11A2: This variant is not expected to have clinica l significance because it does not alter an amino acid residue and is not locate d within the splice consensus sequence. It has been identified in 0.2% (38/16314 ) of South Asian chromosomes by the Exome Aggregation Consortium (ExAC; dbSNP rs147576338).

PreventionGenetics, part of Exact Sciences
Classification: Likely benign for COL11A2-related condition. Last evaluated: 2020-02-25. Review status: no assertion criteria provided. Collection method: clinical testing. Allele origin: germline. Not counted in ClinVar's aggregate classification.
Comment: This variant is classified as likely benign based on ACMG/AMP sequence variant interpretation guidelines (Richards et al. 2015 PMID: 25741868, with internal and published modifications).